The following is an entry in ClinVar:

ClinVar aggregate classification (germline): Pathogenic/Likely pathogenic. Review status: criteria provided, multiple submitters, no conflicts (2 of 4 stars). 2 submissions from 2 submitters: Pathogenic (1); Likely pathogenic (1). Last evaluated 2018-04-16.

Conditions:
Bardet-Biedl syndrome (BBS). Identifiers: Orphanet 110, MedGen C0752166, MONDO:0015229.
Bardet-Biedl syndrome 6 (BBS6). Identifiers: Orphanet 110, MedGen C1858054, MONDO:0011523, OMIM 605231.

Allele frequency attached by ClinVar (database versions not stated): gnomAD exomes 0.00001; ExAC 0.00002.
gnomAD v4.1: 5 of 1,613,012 alleles (0.00031%); highest among the groups gnomAD compares: South Asian, 0.0055%; no homozygotes.

Submissions (2):

SIB Swiss Institute of Bioinformatics
Classification: Likely pathogenic for Bardet-Biedl syndrome 6. Last evaluated: 2018-04-16. Review status: criteria provided, single submitter. Criteria: ACMG Guidelines, 2015. Collection method: curation. Allele origin: germline.
Comment: This variant is interpreted as a Likely Pathogenic, for Bardet-Biedl syndrome 6, Autosomal Recessive inheritance. The following ACMG Tag(s) were applied: PM2 => Absent from controls (or at extremely low frequency if recessive) in Exome Sequencing Project, 1000 Genomes Project, or Exome Aggregation Consortium. PVS1-Moderate => PVS1 downgraded in strength to Moderate. PP1-Moderate => PP1 upgraded in strength to Moderate (PMID:28761321).

SN ONGC Dept of Genetics and Molecular biology Vision Research Foundation
Classification: Pathogenic for Bardet-Biedl syndrome. Review status: criteria provided, single submitter. Criteria: ACMG Guidelines, 2015. Collection method: research. Allele origin: biparental. Affected: yes.

Literature cited by the submitters: PubMed 28761321 (cited by SIB Swiss Institute of Bioinformatics).

NM_170784.3(MKKS):c.119C>G (p.Ser40Ter)

Gene: MKKS (MKKS centrosomal shuttling protein; minus strand). Cytogenetic location: 20p12.2.
Variant type: single nucleotide variant.
Coding change: c.119C>G on transcript NM_170784.3 (MANE Select); coding-DNA position 119, C replaced by G.
Protein change: p.Ser40Ter; replaces serine 40 with a stop codon.
Molecular consequence: nonsense.
Genome position (GRCh38, 1-based): chr20:10,413,396, G>C on the plus strand (C>G on the coding strand, the complement: MKKS is on the minus strand). VCF-style: chr20-10413396-G-C. GRCh37 (hg19) VCF-style: chr20-10394044-G-C.
Other names: NM_018848.3:c.119C>G(p.Ser40Ter); NM_170784.2:c.119C>G(p.Ser40Ter); c.119C>G, p.Ser40Ter (NM_018848.3); short protein forms S40*.
Identifiers: ClinVar variation 549478 (VCV000549478.2), dbSNP rs753338844, ClinGen allele CA9763738.